The following is an entry in ClinVar:

ClinVar aggregate classification (germline): Likely benign (0 of 4 stars; one submission).

Conditions:
COX4I2-related disorder. Also called: COX4I2-related condition.

Allele frequency attached by ClinVar (database versions not stated): gnomAD exomes below 0.00001; ExAC 0.00001; gnomAD 0.00001; TOPMed 0.00001.

Submission:

PreventionGenetics, part of Exact Sciences
Classification: Likely benign for COX4I2-related condition. Last evaluated: 2020-02-26. Review status: no assertion criteria provided. Collection method: clinical testing. Allele origin: germline.
Comment: This variant is classified as likely benign based on ACMG/AMP sequence variant interpretation guidelines (Richards et al. 2015 PMID: 25741868, with internal and published modifications).

NM_032609.3(COX4I2):c.345C>T (p.Phe115=)

Gene: COX4I2 (cytochrome c oxidase subunit 4I2; plus strand). Cytogenetic location: 20q11.21.
Variant type: single nucleotide variant.
Coding change: c.345C>T on transcript NM_032609.3 (MANE Select); coding-DNA position 345, C replaced by T.
Protein change: p.Phe115=; no amino-acid change (phenylalanine 115 retained).
Molecular consequence: synonymous variant.
Genome position (GRCh38, 1-based): chr20:31,643,501, C>T. VCF-style: chr20-31643501-C-T. GRCh37 (hg19) VCF-style: chr20-30231304-C-T.
Identifiers: ClinVar variation 3051848 (VCV003051848.2), dbSNP rs765094514, ClinGen allele CA9801948.